The following is an entry in ClinVar:

ClinVar aggregate classification (germline): Uncertain significance (1 of 4 stars; one submission).

Submission:

GeneDx
Classification: Uncertain significance. Last evaluated: 2024-12-22. Review status: criteria provided, single submitter. Criteria: GeneDx Variant Classification Process June 2021. Collection method: clinical testing. Allele origin: germline. Affected: yes.
Comment: Not observed at significant frequency in large population cohorts (gnomAD); In silico analysis indicates that this missense variant does not alter protein structure/function; Has not been previously published as pathogenic or benign to our knowledge

NM_006236.3(POU3F3):c.16T>C (p.Ser6Pro)

Gene: POU3F3 (POU class 3 homeobox 3; plus strand). Cytogenetic location: 2q12.1.
Variant type: single nucleotide variant.
Coding change: c.16T>C on transcript NM_006236.3 (MANE Select); coding-DNA position 16, T replaced by C.
Protein change: p.Ser6Pro; replaces serine 6 with proline.
Molecular consequence: missense variant.
Genome position (GRCh38, 1-based): chr2:104,855,526, T>C. VCF-style: chr2-104855526-T-C. GRCh37 (hg19) VCF-style: chr2-105471984-T-C.
Other names: short protein forms S6P.
Identifiers: ClinVar variation 3906832 (VCV003906832.1).
Genomic context (GRCh38, chr2:104,855,526, plus strand): 5'-GCGGCGGCGGTGGTGGCGGCGGTGGGGTGGCGGGAGCGGAGCGGCATGGCCACGGCGGCT[T>C]CTAACCCCTACCTGCCGGGGAACAGCCTGCTCGCGGCCGGCTCTATTGTGCACTCGGACG-3'
Protein context (NP_006227.1, residues 1-16): MATAA[Ser6Pro]NPYLPGNSLL